The following is an entry in ClinVar:

NM_032578.4(MYPN):c.3349G>A (p.Ala1117Thr)

Gene: MYPN (myopalladin; plus strand). Cytogenetic location: 10q21.3.
Variant type: single nucleotide variant.
Coding change: c.3349G>A on transcript NM_032578.4 (MANE Select); coding-DNA position 3349, G replaced by A.
Protein change: p.Ala1117Thr; replaces alanine 1117 with threonine.
Molecular consequence: missense variant. On other transcripts: non-coding transcript variant (2).
Genome position (GRCh38, 1-based): chr10:68,199,431, G>A. VCF-style: chr10-68199431-G-A. GRCh37 (hg19) VCF-style: chr10-69959188-G-A.
Other names: c.3349G>A, p.Ala1117Thr (NM_001256267.2); c.2467G>A, p.Ala823Thr (NM_001256268.2); short protein forms A1117T, A823T.
Identifiers: ClinVar variation 3402062 (VCV003402062.1).

ClinVar aggregate classification (germline): Uncertain significance (1 of 4 stars; one submission).

Conditions:
Cardiovascular phenotype. Identifiers: MedGen CN230736.

gnomAD v4.1: 2 of 1,614,184 alleles (0.00012%); highest among the groups gnomAD compares: Non-Finnish European, 0.00017%; no homozygotes.

Submission:

Ambry Genetics
Classification: Uncertain significance for Cardiovascular phenotype. Last evaluated: 2024-10-24. Review status: criteria provided, single submitter. Criteria: Ambry Variant Classification Scheme 2023. Collection method: clinical testing. Allele origin: germline.
Comment: The p.A1117T variant (also known as c.3349G>A), located in coding exon 16 of the MYPN gene, results from a G to A substitution at nucleotide position 3349. The alanine at codon 1117 is replaced by threonine, an amino acid with similar properties. This amino acid position is conserved. In addition, this alteration is predicted to be tolerated by in silico analysis. Based on the available evidence, the clinical significance of this variant remains unclear.